The following is an entry in ClinVar:

NM_002778.4(PSAP):c.1380C>T (p.Pro460=)

Gene: PSAP (prosaposin; minus strand). Cytogenetic location: 10q22.1.
Variant type: single nucleotide variant.
Coding change: c.1380C>T on transcript NM_002778.4 (MANE Select); coding-DNA position 1380, C replaced by T.
Protein change: p.Pro460=; no amino-acid change (proline 460 retained).
Molecular consequence: synonymous variant.
Genome position (GRCh38, 1-based): chr10:71,819,082, G>A on the plus strand (C>T on the coding strand, the complement: PSAP is on the minus strand). VCF-style: chr10-71819082-G-A. GRCh37 (hg19) VCF-style: chr10-73578839-G-A.
Other names: p.Pro460=; c.1389C>T, p.Pro463= (NM_001042465.3); c.1386C>T, p.Pro462= (NM_001042466.3).
Identifiers: ClinVar variation 258810 (VCV000258810.50), dbSNP rs1049882, ClinGen allele CA5547366.

ClinVar aggregate classification (germline): Benign/Likely benign. Review status: criteria provided, multiple submitters, no conflicts (2 of 4 stars). 10 submissions from 7 submitters: Benign (6); Likely benign (3). 1 of the submissions does not count toward it. Last evaluated 2026-02-02.

Conditions:
Combined PSAP deficiency (PSAPD). Also called: COMBINED SAP DEFICIENCY; PROSAPOSIN DEFICIENCY; Encephalopathy due to prosaposin deficiency. Identifiers: Orphanet 139406, MedGen C2673635, MONDO:0012719, OMIM 611721.
Krabbe disease due to saposin A deficiency. Also called: Saposin A Deficiency; KRABBE DISEASE, ATYPICAL, DUE TO SAPOSIN A DEFICIENCY. Identifiers: Orphanet 487, MedGen C2673266, MONDO:0012720, OMIM 611722.
Sphingolipid activator protein 1 deficiency. Also called: Saposin B Deficiency; Metachromatic leukodystrophy due to saposin B deficiency; METACHROMATIC LEUKODYSTROPHY DUE TO CEREBROSIDE SULFATASE ACTIVATOR DEFICIENCY. Identifiers: Orphanet 512, MedGen C0268262, MONDO:0009590, OMIM 249900.
Gaucher disease due to saposin C deficiency. Also called: Saposin C Deficiency; Atypical Gaucher disease due to saposin C deficiency. Identifiers: Orphanet 309252, Orphanet 355, MedGen C1864651, MONDO:0012517, OMIM 610539.
Galactosylceramide beta-galactosidase deficiency. Also called: GALACTOCEREBROSIDASE DEFICIENCY; GALC DEFICIENCY; GLOBOID CELL LEUKOENCEPHALOPATHY; Krabbe Disease; Leukodystrophy, Globoid Cell. Identifiers: Orphanet 487, MedGen C0023521, MONDO:0009499, OMIM 245200.

Allele frequency attached by ClinVar (database versions not stated): gnomAD 0.00284 and 0.00300; TOPMed 0.00303; 1000 Genomes Project 30x 0.00437; 1000 Genomes Project 0.00459; gnomAD exomes 0.00127 and 0.00253; ESP Exome Variant Server 0.00261; ExAC 0.00276.
gnomAD v4.1: 2,354 of 1,614,108 alleles (0.15%); highest among the groups gnomAD compares: South Asian, 1%; 19 homozygotes.

Submissions (10):

Labcorp Genetics (formerly Invitae), Labcorp
Classification: Benign for Sphingolipid activator protein 1 deficiency. Last evaluated: 2026-02-02. Review status: criteria provided, single submitter. Criteria: Invitae Variant Classification Sherloc (09022015). Collection method: clinical testing. Allele origin: germline.

CeGaT Center for Human Genetics Tuebingen
Classification: Benign. Last evaluated: 2025-11-01. Review status: criteria provided, single submitter. Criteria: CeGaT Center For Human Genetics Tuebingen Variant Classification Criteria Version 2. Collection method: clinical testing. Allele origin: germline. Affected: yes. Observed: 5 variant alleles.
Comment: PSAP: BP4, BP7, BS1, BS2

Mayo Clinic Laboratories, Mayo Clinic
Classification: Benign. Last evaluated: 2023-10-05. Review status: criteria provided, single submitter. Criteria: ACMG Guidelines, 2015. Collection method: clinical testing. Allele origin: germline. Observed: 3 variant alleles.
Comment: BA1, BS2, BP4, BP7

Illumina Laboratory Services, Illumina
Classification: Likely benign for Sphingolipid activator protein 1 deficiency. Last evaluated: 2018-01-13. Review status: criteria provided, single submitter. Criteria: ICSL Variant Classification Criteria 13 December 2019. Collection method: clinical testing. Allele origin: germline.
Comment: This variant was observed in the ICSL laboratory as part of a predisposition screen in an ostensibly healthy population. It had not been previously curated by ICSL or reported in the Human Gene Mutation Database (HGMD: prior to June 1st, 2018), and was therefore a candidate for classification through an automated scoring system. Utilizing variant allele frequency, disease prevalence and penetrance estimates, and inheritance mode, an automated score was calculated to assess if this variant is too frequent to cause the disease. Based on the score and internal cut-off values, a variant classified as likely benign is not then subjected to further curation. The score for this variant resulted in a classification of likely benign for this disease.

Illumina Laboratory Services, Illumina
Classification: Benign for Gaucher disease due to saposin C deficiency. Last evaluated: 2018-01-13. Review status: criteria provided, single submitter. Criteria: ICSL Variant Classification Criteria 13 December 2019. Collection method: clinical testing. Allele origin: germline.
Comment: This variant was observed in the ICSL laboratory as part of a predisposition screen in an ostensibly healthy population. It had not been previously curated by ICSL or reported in the Human Gene Mutation Database (HGMD: prior to June 1st, 2018), and was therefore a candidate for classification through an automated scoring system. Utilizing variant allele frequency, disease prevalence and penetrance estimates, and inheritance mode, an automated score was calculated to assess if this variant is too frequent to cause the disease. Based on the score and internal cut-off values, a variant classified as benign is not then subjected to further curation. The score for this variant resulted in a classification of benign for this disease.

Illumina Laboratory Services, Illumina
Classification: Likely benign for Krabbe disease due to saposin A deficiency. Last evaluated: 2018-01-13. Review status: criteria provided, single submitter. Criteria: ICSL Variant Classification Criteria 13 December 2019. Collection method: clinical testing. Allele origin: germline.
Comment: the same text as in the submission from Illumina Laboratory Services, Illumina above.

Illumina Laboratory Services, Illumina
Classification: Benign for Combined PSAP deficiency. Last evaluated: 2018-01-13. Review status: criteria provided, single submitter. Criteria: ICSL Variant Classification Criteria 13 December 2019. Collection method: clinical testing. Allele origin: germline.
Comment: the same text as in the submission from Illumina Laboratory Services, Illumina above.

Breakthrough Genomics
Classification: Likely benign. Review status: criteria provided, single submitter. Criteria: ACMG Guidelines, 2015. Collection method: not provided. Allele origin: germline. Inheritance: Autosomal recessive inheritance. Affected: yes.

PreventionGenetics, part of Exact Sciences
Classification: Benign. Review status: criteria provided, single submitter. Criteria: ACMG Guidelines, 2015. Collection method: clinical testing. Allele origin: germline.

Natera, Inc.
Classification: Benign for Galactosylceramide beta-galactosidase deficiency. Last evaluated: 2020-09-16. Review status: no assertion criteria provided. Collection method: clinical testing. Allele origin: germline. Not counted in ClinVar's aggregate classification.